The following is an entry in ClinVar:

NM_000337.6(SGCD):c.65dup (p.Tyr23fs)

Gene: SGCD (sarcoglycan delta; plus strand). Cytogenetic location: 5q33.3.
Variant type: Duplication.
Coding change: c.65dup on transcript NM_000337.6 (MANE Select); coding-DNA position 65, one base duplicated (T; older notation c.65dupT).
Protein change: p.Tyr23fs; shifts the reading frame from tyrosine 23.
Molecular consequence: frameshift variant.
Genome position (GRCh38, 1-based): chr5:156,344,550, T duplicated. VCF-style (leftmost placement, unchanged base first): chr5-156344549-G-GT. GRCh37 (hg19) VCF-style: chr5-155771559-G-GT.
Other names: c.62dup, p.Tyr22fs (NM_001128209.2); c.65dup, p.Tyr23fs (NM_172244.3); short protein forms Y22fs, Y23fs.
Identifiers: ClinVar variation 285158 (VCV000285158.9), dbSNP rs886043031, ClinGen allele CA10605018.
Genomic context (GRCh38, chr5:156,344,549, plus strand): 5'-ATGCCTCAGGAGCAGTACACTCACCACCGGAGCACCATGCCTGGCTCTGTGGGGCCACAG[G>GT]TATACAAGGTGGGGATTTATGGCTGGCGGAAACGATGCCTGTATTTCTTTGTCCTGCTCC-3'

ClinVar aggregate classification (germline): Pathogenic. Review status: criteria provided, multiple submitters, no conflicts (2 of 4 stars). 2 submissions from 2 submitters: Pathogenic (2). Last evaluated 2025-07-28.

Conditions:
Autosomal recessive limb-girdle muscular dystrophy type 2F (LGMDR6). Also called: Muscular dystrophy limb-girdle with delta-sarcoglyan deficiency; MUSCULAR DYSTROPHY, LIMB-GIRDLE, AUTOSOMAL RECESSIVE 6. Identifiers: Orphanet 219, MedGen C1832525, MONDO:0011028, OMIM 601287. Disease mechanism: Affects gamma-sarcoglycan and also disrupts the integrity of the entire sarcoglycan complex..

Submissions (2):

Labcorp Genetics (formerly Invitae), Labcorp
Classification: Pathogenic for Autosomal recessive limb-girdle muscular dystrophy type 2F. Last evaluated: 2025-07-28. Review status: criteria provided, single submitter. Criteria: Invitae Variant Classification Sherloc (09022015). Collection method: clinical testing. Allele origin: germline.
Comment: This sequence change creates a premature translational stop signal (p.Tyr23Ilefs*43) in the SGCD gene. It is expected to result in an absent or disrupted protein product. Loss-of-function variants in SGCD are known to be pathogenic (PMID: 8841194, 10735275, 10838250). This variant is not present in population databases (gnomAD no frequency). This premature translational stop signal has been observed in individual(s) with SGCD-related conditions (PMID: 30564623). ClinVar contains an entry for this variant (Variation ID: 285158). For these reasons, this variant has been classified as Pathogenic.

Eurofins Ntd Llc (ga)
Classification: Pathogenic. Last evaluated: 2015-12-09. Review status: criteria provided, single submitter. Criteria: EGL Classification Definitions. Collection method: clinical testing. Allele origin: germline. Observed: 1 variant allele, 1 heterozygote.

Literature cited by the submitters: PubMed 8841194 (cited by Labcorp Genetics (formerly Invitae), Labcorp); PubMed 10735275 (cited by Labcorp Genetics (formerly Invitae), Labcorp); PubMed 10838250 (cited by Labcorp Genetics (formerly Invitae), Labcorp); PubMed 30564623 (cited by Labcorp Genetics (formerly Invitae), Labcorp).